The following is an entry in ClinVar:

ClinVar aggregate classification (germline): Likely benign (1 of 4 stars; one submission).

Allele frequency attached by ClinVar (database versions not stated): ESP Exome Variant Server 0.00008.
gnomAD v4.1: 47 of 1,613,860 alleles (0.0029%); highest among the groups gnomAD compares: Middle Eastern, 0.016%; no homozygotes.

Submission:

CeGaT Center for Human Genetics Tuebingen
Classification: Likely benign. Last evaluated: 2023-01-01. Review status: criteria provided, single submitter. Criteria: CeGaT Center For Human Genetics Tuebingen Variant Classification Criteria Version 2. Collection method: clinical testing. Allele origin: germline. Affected: yes. Observed: 1 variant allele.
Comment: SMARCC2: BP4, BP7

NM_001330288.2(SMARCC2):c.1032C>T (p.Asp344=)

Gene: SMARCC2 (SWI/SNF related BAF chromatin remodeling complex subunit C2; minus strand). Cytogenetic location: 12q13.2.
Variant type: single nucleotide variant.
Coding change: c.1032C>T on transcript NM_001330288.2 (MANE Select); coding-DNA position 1032, C replaced by T.
Protein change: p.Asp344=; no amino-acid change (aspartic acid 344 retained).
Molecular consequence: synonymous variant.
Genome position (GRCh38, 1-based): chr12:56,181,026, G>A on the plus strand (C>T on the coding strand, the complement: SMARCC2 is on the minus strand). VCF-style: chr12-56181026-G-A. GRCh37 (hg19) VCF-style: chr12-56574810-G-A.
Other names: c.1032C>T, p.Asp344= (NM_001130420.3, NM_003075.5, NM_139067.4).
Identifiers: ClinVar variation 2643083 (VCV002643083.24), dbSNP rs371558830, ClinGen allele CA6626209.